The following is an entry in ClinVar:

NM_005050.4(ABCD4):c.419A>C (p.Asp140Ala)

Gene: ABCD4 (ATP binding cassette subfamily D member 4; minus strand). Cytogenetic location: 14q24.3.
Variant type: single nucleotide variant.
Coding change: c.419A>C on transcript NM_005050.4 (MANE Select); coding-DNA position 419, A replaced by C.
Protein change: p.Asp140Ala; replaces aspartic acid 140 with alanine.
Molecular consequence: missense variant. On other transcripts: 5 prime UTR variant (9), non-coding transcript variant (8), intron variant (5).
Genome position (GRCh38, 1-based): chr14:74,297,936, T>G on the plus strand (A>C on the coding strand, the complement: ABCD4 is on the minus strand). VCF-style: chr14-74297936-T-G. GRCh37 (hg19) VCF-style: chr14-74764639-T-G.
Other names: c.419A>C, p.Asp140Ala (NM_001353591.2, NM_001353592.2, NM_020325.3); c.158A>C, p.Asp53Ala (NM_001353593.2, NM_001353594.2); c.10A>C, p.Ile4Leu (NM_001353595.2, NM_001353596.2, NM_001353597.2); c.-59A>C (NM_001353598.2, NM_001353600.2); c.-271A>C (NM_001353602.2); c.-276A>C (NM_001353603.2, NM_001353605.2, NM_001353606.2 and 3 more transcripts); c.290A>C, p.Asp97Ala (NM_020323.1); c.-269-1487A>C (NM_001353604.2); and 2 more; short protein forms D140A, D97A, D53A, I4L.
Identifiers: ClinVar variation 1924634 (VCV001924634.2), dbSNP rs2505787322, ClinGen allele CA390378438.

ClinVar aggregate classification (germline): Uncertain significance (1 of 4 stars; one submission).

Conditions:
Methylmalonic acidemia with homocystinuria, type cblJ (MAHCJ). Also called: METHYLMALONIC ACIDURIA AND HOMOCYSTINURIA, cblJ TYPE. Identifiers: Orphanet 369955, MedGen C3553915, MONDO:0013925, OMIM 614857.

Submission:

Labcorp Genetics (formerly Invitae), Labcorp
Classification: Uncertain significance for Methylmalonic acidemia with homocystinuria, type cblJ. Last evaluated: 2022-08-31. Review status: criteria provided, single submitter. Criteria: Invitae Variant Classification Sherloc (09022015). Collection method: clinical testing. Allele origin: germline.
Comment: This sequence change replaces aspartic acid, which is acidic and polar, with alanine, which is neutral and non-polar, at codon 140 of the ABCD4 protein (p.Asp140Ala). This variant is not present in population databases (gnomAD no frequency). This variant has not been reported in the literature in individuals affected with ABCD4-related conditions. Advanced modeling of protein sequence and biophysical properties (such as structural, functional, and spatial information, amino acid conservation, physicochemical variation, residue mobility, and thermodynamic stability) performed at Invitae indicates that this missense variant is expected to disrupt ABCD4 protein function. In summary, the available evidence is currently insufficient to determine the role of this variant in disease. Therefore, it has been classified as a Variant of Uncertain Significance.